The following is an entry in ClinVar:

NM_001077620.3(PRCD):c.64C>T (p.Arg22Ter)

Genes: CYGB (cytoglobin; minus strand), PRCD (photoreceptor disc component; plus strand). Cytogenetic location: 17q25.1.
Variant type: single nucleotide variant.
Coding change: c.64C>T on transcript NM_001077620.3 (MANE Select); coding-DNA position 64, C replaced by T.
Protein change: p.Arg22Ter; replaces arginine 22 with a stop codon.
Molecular consequence: nonsense.
Genome position (GRCh38, 1-based): chr17:76,540,205, C>T. VCF-style: chr17-76540205-C-T. GRCh37 (hg19) VCF-style: chr17-74536287-C-T.
Other names: short protein forms R22*.
Identifiers: ClinVar variation 37041 (VCV000037041.17), dbSNP rs387907268, ClinGen allele CA260582.
Genomic context (GRCh38, chr17:76,540,205, plus strand): 5'-TGCACCACCCTTTTCCTGCTCAGCACCCTGGCCATGCTCTGGCGCCGCCGATTTGCCAAC[C>T]GAGTCCAACCGTGAGAAACTGACCGGGCTATGGCTGGCGGTTGGTCGGGGGGGGGGGGCA-3'

ClinVar aggregate classification (germline): Pathogenic. Review status: criteria provided, multiple submitters, no conflicts (2 of 4 stars). 10 submissions from 10 submitters: Pathogenic (7). 3 of the submissions do not count toward it. Last evaluated 2025-08-04.

Conditions:
PRCD-related disorders.
Retinal dystrophy. Also called: Inherited retinal dystrophy. Identifiers: Orphanet 71862, MedGen C0854723, MeSH D058499, MONDO:0019118, HP:0000556.
Retinitis pigmentosa (RP). Identifiers: Orphanet 791, MedGen C0035334, MeSH D012174, MONDO:0019200, OMIM 268000. Inheritance: Autosomal dominant, autosomal recessive and X linked inheritance.
Retinitis pigmentosa 36 (RP36). Identifiers: Orphanet 791, MedGen C1864621, MONDO:0012523, OMIM 610599.

Allele frequency attached by ClinVar (database versions not stated): ExAC 0.00001; gnomAD 0.00001 and 0.00002.
gnomAD v4.1: 21 of 1,587,346 alleles (0.0013%); highest among the groups gnomAD compares: Non-Finnish European, 0.0016%; no homozygotes.

Submissions (10):

First Genomix Gene Laboratory, Genetic Diagnostics Department
Classification: Pathogenic for Retinitis pigmentosa 36. Last evaluated: 2025-08-04. Review status: criteria provided, single submitter. Criteria: ACMG Guidelines, 2015. Collection method: clinical testing. Allele origin: germline. Inheritance: Autosomal recessive inheritance. Affected: no. Observed: 1 variant allele.

Blueprint Genetics
Classification: Pathogenic for PRCD-related disorders. Last evaluated: 2024-07-16. Review status: criteria provided, single submitter. Criteria: ACMG Guidelines, 2015. Collection method: clinical testing. Allele origin: germline. Affected: yes. Observed: 4 variant alleles.

Labcorp Genetics (formerly Invitae), Labcorp
Classification: Pathogenic. Last evaluated: 2023-10-14. Review status: criteria provided, single submitter. Criteria: Invitae Variant Classification Sherloc (09022015). Collection method: clinical testing. Allele origin: germline.
Comment: This sequence change creates a premature translational stop signal (p.Arg22*) in the PRCD gene. It is expected to result in an absent or disrupted protein product. Loss-of-function variants in PRCD are known to be pathogenic (PMID: 16938425, 20507925, 23805042, 28181551). This variant is present in population databases (rs387907268, gnomAD 0.007%). This premature translational stop signal has been observed in individual(s) with retinitis pigmentosa (PMID: 20507925). ClinVar contains an entry for this variant (Variation ID: 37041). For these reasons, this variant has been classified as Pathogenic.

Dept Of Ophthalmology, Nagoya University
Classification: Pathogenic for Retinal dystrophy. Last evaluated: 2023-10-01. Review status: criteria provided, single submitter. Criteria: Submitter's publication. Collection method: research. Allele origin: germline. Affected: yes.

3billion
Classification: Pathogenic for Retinitis pigmentosa 36. Last evaluated: 2023-06-12. Review status: criteria provided, single submitter. Criteria: ACMG Guidelines, 2015. Collection method: clinical testing. Allele origin: germline. Affected: yes.
Comment: The variant is observed at an extremely low frequency in the gnomAD v2.1.1 dataset (total allele frequency: 0.003%). Predicted Consequence/Location: Stop-gained (nonsense): predicted to result in a loss or disruption of normal protein function through nonsense-mediated decay (NMD) or protein truncation. Multiple pathogenic variants are reported downstream of the variant. The variant has been reported at least twice as pathogenic with clinical assertions and evidence for the classification (ClinVar ID: VCV000037041 /PMID: 20507925). Therefore, this variant is classified as Pathogenic according to the recommendation of ACMG/AMP guideline.

Institute of Human Genetics, Univ. Regensburg, Univ. Regensburg
Classification: Pathogenic for Retinal dystrophy. Last evaluated: 2023-01-01. Review status: criteria provided, single submitter. Criteria: ACMG Guidelines, 2015. Collection method: clinical testing. Allele origin: germline. Affected: yes.

Institute of Medical Genetics and Applied Genomics, University Hospital Tübingen
Classification: Pathogenic. Last evaluated: 2020-10-23. Review status: criteria provided, single submitter. Criteria: ACMG Guidelines, 2015. Collection method: clinical testing. Allele origin: germline. Inheritance: Autosomal recessive inheritance. Affected: yes.

Sharon lab, Hadassah-Hebrew University Medical Center
Classification: Pathogenic for Retinitis pigmentosa. Last evaluated: 2019-06-23. Review status: no assertion criteria provided. Collection method: research. Allele origin: inherited. Affected: yes. Not counted in ClinVar's aggregate classification.

Joint Genome Diagnostic Labs from Nijmegen and Maastricht, Radboudumc and MUMC+
Classification: Pathogenic for Retinitis pigmentosa 36. Last evaluated: 2016-09-01. Review status: no assertion criteria provided. Collection method: clinical testing. Allele origin: unknown. Affected: yes. Observed: 1 variant allele. Not counted in ClinVar's aggregate classification.

OMIM
Classification: Pathogenic for RETINITIS PIGMENTOSA 36. Last evaluated: 2010-08-01. Review status: no assertion criteria provided. Collection method: literature only. Allele origin: germline. Not counted in ClinVar's aggregate classification.

Literature cited by the submitters: PubMed 16938425 (cited by Labcorp Genetics (formerly Invitae), Labcorp); PubMed 20507925 (cited by 4 submitters); PubMed 23805042 (cited by Labcorp Genetics (formerly Invitae), Labcorp); PubMed 28181551 (cited by Labcorp Genetics (formerly Invitae), Labcorp); PubMed 26497376 (cited by Institute of Human Genetics, Univ. Regensburg, Univ. Regensburg); PubMed 31589614 (cited by Institute of Human Genetics, Univ. Regensburg, Univ. Regensburg); PubMed 31213501 (cited by Institute of Human Genetics, Univ. Regensburg, Univ. Regensburg); PubMed 31964843 (cited by Institute of Human Genetics, Univ. Regensburg, Univ. Regensburg); PubMed 31456290 (cited by Institute of Human Genetics, Univ. Regensburg, Univ. Regensburg); PubMed 34426522 (cited by Institute of Human Genetics, Univ. Regensburg, Univ. Regensburg); PubMed 36819107 (cited by Institute of Human Genetics, Univ. Regensburg, Univ. Regensburg).